The following is an entry in ClinVar:

ClinVar aggregate classification (germline): Likely pathogenic (1 of 4 stars; one submission).

Conditions:
Usher syndrome type 1 (USH1). Also called: RETINITIS PIGMENTOSA AND CONGENITAL DEAFNESS. Identifiers: Orphanet 231169, Orphanet 886, MedGen C1568247, MONDO:0010168, OMIM 276900.

Submission:

Myriad Genetics, Inc.
Classification: Likely pathogenic for Usher syndrome type 1. Last evaluated: 2019-12-28. Review status: criteria provided, single submitter. Criteria: Myriad Women's Health Autosomal Recessive and X-Linked Classification Criteria (2019). Collection method: clinical testing. Allele origin: unknown.
Comment: NM_000260.3(MYO7A):c.858C>A(C286*) is expected to be pathogenic in the context of MYO7A-related disorders. This variant is predicted to lead to an abnormal or absent protein product due to the creation of a premature termination codon in MYO7A, a gene where loss-of-function variants are known to be pathogenic. Please note: this variant was assessed in the context of healthy population screening.

NM_000260.4(MYO7A):c.858C>A (p.Cys286Ter)

Gene: MYO7A (myosin VIIA; plus strand). Cytogenetic location: 11q13.5.
Variant type: single nucleotide variant.
Coding change: c.858C>A on transcript NM_000260.4 (MANE Select); coding-DNA position 858, C replaced by A.
Protein change: p.Cys286Ter; replaces cysteine 286 with a stop codon.
Molecular consequence: nonsense.
Genome position (GRCh38, 1-based): chr11:77,158,285, C>A. VCF-style: chr11-77158285-C-A. GRCh37 (hg19) VCF-style: chr11-76869331-C-A.
Other names: c.858C>A, p.Cys286Ter (NM_001127180.2); c.825C>A, p.Cys275Ter (NM_001369365.1); short protein forms C275*, C286*.
Identifiers: ClinVar variation 983714 (VCV000983714.3), dbSNP rs1952682554, ClinGen allele CA381932813.